The following is an entry in ClinVar:

NM_004991.4(MECOM):c.2604+1G>A

Gene: MECOM (MDS1 and EVI1 complex locus; minus strand). Cytogenetic location: 3q26.2.
Variant type: single nucleotide variant.
Coding change: c.2604+1G>A on transcript NM_004991.4 (MANE Select); the canonical splice donor site of the intron after coding-DNA position 2604, G replaced by A.
Molecular consequence: splice donor variant. On other transcripts: intron variant (8).
Genome position (GRCh38, 1-based): chr3:169,107,925, C>T on the plus strand (G>A on the coding strand, the complement: MECOM is on the minus strand). VCF-style: chr3-169107925-C-T. GRCh37 (hg19) VCF-style: chr3-168825713-C-T.
Other names: c.2040+1G>A (NM_001205194.2, NM_001366469.2, NM_001105078.4 and 1 more transcripts); c.1605+4862G>A (NM_001366473.2); c.2577+4862G>A (NM_001366466.2); c.1041+4862G>A (NM_001366474.2); c.2013+4862G>A (NM_001164000.2, NM_001366471.2, NM_001366472.2); c.2016+4862G>A (NM_001366470.2, NM_001163999.2); c.2043+1G>A (NM_001366467.2, NM_001366468.2); c.2235+1G>A (NM_001105077.4).
Identifiers: ClinVar variation 2629720 (VCV002629720.1), dbSNP rs374274832, ClinGen allele CA2696100.

ClinVar aggregate classification (germline): Uncertain significance (1 of 4 stars; one submission).

Conditions:
MECOM-related disorder. Also called: MECOM-related condition.

Allele frequency attached by ClinVar (database versions not stated): ESP Exome Variant Server 0.00008.
gnomAD v4.1: 8 of 1,611,746 alleles (0.0005%); highest among the groups gnomAD compares: Non-Finnish European, 0.00068%; no homozygotes.

Submission:

PreventionGenetics, part of Exact Sciences
Classification: Uncertain significance for MECOM-related condition. Last evaluated: 2023-06-05. Review status: criteria provided, single submitter. Criteria: ACMG Guidelines, 2015. Collection method: clinical testing. Allele origin: germline.
Comment: The MECOM c.2604+1G>A variant is predicted to disrupt the GT donor site and interfere with normal splicing. xxxxxxxxxxxxxxxxxxxxxxxxxxxxxxxxxxxxxxxxxxxxxxxxxxxxxxxxxxxxxwhich is predicted to disrupt the GT donor site and interfere with normal splicing (Alamut Visual Plus v.1.6.1), although skipping of this exon may only result in an in-frame deletion of 9 amino acids. To our knowledge, this variant has not been reported in the literature. This variant is reported in 0.0018% of alleles in individuals of European (Non-Finnish) descent in gnomAD. At this time, the clinical significance of this variant is uncertain due to the absence of conclusive functional and genetic evidence.